The following is an entry in ClinVar:

ClinVar aggregate classification (germline): Conflicting classifications of pathogenicity. Review status: criteria provided, conflicting classifications (1 of 4 stars). 2 submissions from 2 submitters: Uncertain significance (1); Likely benign (1). Last evaluated 2026-06-22.

Conditions:
Hereditary cancer-predisposing syndrome. Also called: Hereditary neoplastic syndrome; Hereditary Cancer Syndrome; Neoplastic Syndromes, Hereditary; Tumor predisposition. Identifiers: Orphanet 140162, MedGen C0027672, MeSH D009386, MONDO:0015356.
Hereditary diffuse gastric adenocarcinoma (HDGC). Also called: DIFFUSE GASTRIC AND LOBULAR BREAST CANCER SYNDROME. Identifiers: Orphanet 26106, MedGen C1708349, MONDO:0007648, OMIM 137215.

Submissions (2):

Ambry Genetics
Classification: Likely benign for Hereditary cancer-predisposing syndrome. Last evaluated: 2026-06-22. Review status: criteria provided, single submitter. Criteria: Ambry Variant Classification Scheme 2023. Collection method: clinical testing. Allele origin: germline.

Labcorp Genetics (formerly Invitae), Labcorp
Classification: Uncertain significance for Hereditary diffuse gastric adenocarcinoma. Last evaluated: 2023-05-04. Review status: criteria provided, single submitter. Criteria: Invitae Variant Classification Sherloc (09022015). Collection method: clinical testing. Allele origin: germline.
Comment: In summary, the available evidence is currently insufficient to determine the role of this variant in disease. Therefore, it has been classified as a Variant of Uncertain Significance. An algorithm developed to predict the effect of missense changes on protein structure and function (PolyPhen-2) suggests that this variant is likely to be tolerated. This variant has not been reported in the literature in individuals affected with CDH1-related conditions. This variant is not present in population databases (gnomAD no frequency). This sequence change replaces threonine, which is neutral and polar, with alanine, which is neutral and non-polar, at codon 251 of the CDH1 protein (p.Thr251Ala).

NM_004360.5(CDH1):c.751A>G (p.Thr251Ala)

Gene: CDH1 (cadherin 1; plus strand). Cytogenetic location: 16q22.1.
Variant type: single nucleotide variant.
Coding change: c.751A>G on transcript NM_004360.5 (MANE Select); coding-DNA position 751, A replaced by G.
Protein change: p.Thr251Ala; replaces threonine 251 with alanine.
Molecular consequence: missense variant. On other transcripts: 5 prime UTR variant (2).
Genome position (GRCh38, 1-based): chr16:68,810,260, A>G. VCF-style: chr16-68810260-A-G. GRCh37 (hg19) VCF-style: chr16-68844163-A-G.
Other names: c.751A>G, p.Thr251Ala (NM_001317184.2); c.-865A>G (NM_001317185.2); c.-1069A>G (NM_001317186.2); short protein forms T251A.
Identifiers: ClinVar variation 2587427 (VCV002587427.6), dbSNP rs2152131069, ClinGen allele CA396458583.